The following is an entry in ClinVar:

ClinVar aggregate classification (germline): Uncertain significance (1 of 4 stars; one submission).

Allele frequency attached by ClinVar (database versions not stated): TOPMed below 0.00001.

Submission:

Labcorp Genetics (formerly Invitae), Labcorp
Classification: Uncertain significance. Last evaluated: 2023-08-04. Review status: criteria provided, single submitter. Criteria: Invitae Variant Classification Sherloc (09022015). Collection method: clinical testing. Allele origin: germline.
Comment: This variant has not been reported in the literature in individuals affected with COL13A1-related conditions. This variant is not present in population databases (gnomAD no frequency). This sequence change falls in intron 30 of the COL13A1 gene. It does not directly change the encoded amino acid sequence of the COL13A1 protein. It affects a nucleotide within the consensus splice site. In summary, the available evidence is currently insufficient to determine the role of this variant in disease. Therefore, it has been classified as a Variant of Uncertain Significance. Variants that disrupt the consensus splice site are a relatively common cause of aberrant splicing (PMID: 17576681, 9536098). Algorithms developed to predict the effect of sequence changes on RNA splicing suggest that this variant may disrupt the consensus splice site. ClinVar contains an entry for this variant (Variation ID: 1382034).

Literature cited by the submitters: PubMed 17576681; PubMed 9536098.

NM_001368882.1(COL13A1):c.1728+3A>G

Gene: COL13A1 (collagen type XIII alpha 1 chain; plus strand). Cytogenetic location: 10q22.1.
Variant type: single nucleotide variant.
Coding change: c.1728+3A>G on transcript NM_001368882.1 (MANE Select); 3 bases into the intron after coding-DNA position 1728, A replaced by G.
Molecular consequence: intron variant.
Genome position (GRCh38, 1-based): chr10:69,932,607, A>G. VCF-style: chr10-69932607-A-G. GRCh37 (hg19) VCF-style: chr10-71692363-A-G.
Other names: c.1620+2055A>G (NM_001320951.2, NM_001368884.1); c.1695+3A>G (NM_001130103.2); c.1629+3A>G (NM_080801.4); c.1584+2055A>G (NM_080802.4, NM_001368885.1); c.1638+3A>G (NM_080800.4); c.1020+2055A>G (NM_001368886.1); c.1647+2055A>G (NM_001368883.1); c.1497+2055A>G (NM_080805.4); and 4 more.
Identifiers: ClinVar variation 1382034 (VCV001382034.6), dbSNP rs2066272482, ClinGen allele CA1918023964.